The following is an entry in ClinVar:

ClinVar aggregate classification (germline): Conflicting classifications of pathogenicity. Review status: criteria provided, conflicting classifications (1 of 4 stars). 7 submissions from 6 submitters: Uncertain significance (4); Likely benign (3). Last evaluated 2025-04-09.

Conditions:
Autosomal recessive nonsyndromic hearing loss 31. Also called: WHIRLER, MOUSE, HOMOLOG OF. Identifiers: Orphanet 90636, MedGen C1846839, MONDO:0011767, OMIM 607084.
Usher syndrome type 2D. Also called: USHER SYNDROME, TYPE IID. Identifiers: Orphanet 231178, Orphanet 886, MedGen C1568249, MONDO:0012662, OMIM 611383.
WHRN-related disorder. Also called: WHRN-related condition.

Allele frequency attached by ClinVar (database versions not stated): gnomAD 0.00002 and 0.00006; TOPMed 0.00005; ExAC 0.00011; gnomAD exomes 0.00013 and 0.00016; 1000 Genomes Project 30x 0.00016; 1000 Genomes Project 0.00020.
gnomAD v4.1: 185 of 1,604,488 alleles (0.012%); highest among the groups gnomAD compares: East Asian, 0.41%; 3 homozygotes.

Submissions (7):

PreventionGenetics, part of Exact Sciences
Classification: Likely benign for WHRN-related condition. Last evaluated: 2025-04-09. Review status: criteria provided, single submitter. Criteria: ACMG Guidelines, 2015. Collection method: clinical testing. Allele origin: germline.
Comment: This variant is classified as likely benign based on ACMG/AMP sequence variant interpretation guidelines (Richards et al. 2015 PMID: 25741868, with internal and published modifications).

Labcorp Genetics (formerly Invitae), Labcorp
Classification: Uncertain significance. Last evaluated: 2024-08-12. Review status: criteria provided, single submitter. Criteria: Invitae Variant Classification Sherloc (09022015). Collection method: clinical testing. Allele origin: germline.
Comment: This sequence change replaces threonine, which is neutral and polar, with alanine, which is neutral and non-polar, at codon 47 of the WHRN protein (p.Thr47Ala). This variant is present in population databases (rs556585167, gnomAD 0.2%). This variant has not been reported in the literature in individuals affected with WHRN-related conditions. ClinVar contains an entry for this variant (Variation ID: 517373). An algorithm developed to predict the effect of missense changes on protein structure and function (PolyPhen-2) suggests that this variant¬†is likely to be tolerated. In summary, the available evidence is currently insufficient to determine the role of this variant in disease. Therefore, it has been classified as a Variant of Uncertain Significance.

Blueprint Genetics
Classification: Likely benign. Last evaluated: 2022-02-28. Review status: criteria provided, single submitter. Criteria: ACMG Guidelines, 2015. Collection method: clinical testing. Allele origin: germline.

GeneDx
Classification: Likely benign. Last evaluated: 2021-05-04. Review status: criteria provided, single submitter. Criteria: GeneDx Variant Classification Process June 2021. Collection method: clinical testing. Allele origin: germline. Affected: yes.

Illumina Laboratory Services, Illumina
Classification: Uncertain significance for Usher syndrome type 2D. Last evaluated: 2018-01-13. Review status: criteria provided, single submitter. Criteria: ICSL Variant Classification Criteria 13 December 2019. Collection method: clinical testing. Allele origin: germline.

Illumina Laboratory Services, Illumina
Classification: Uncertain significance for Autosomal recessive nonsyndromic hearing loss 31. Last evaluated: 2018-01-13. Review status: criteria provided, single submitter. Criteria: ICSL Variant Classification Criteria 13 December 2019. Collection method: clinical testing. Allele origin: germline.

Laboratory for Molecular Medicine, Mass General Brigham Personalized Medicine
Classification: Uncertain significance. Last evaluated: 2017-05-22. Review status: criteria provided, single submitter. Criteria: LMM Criteria. Collection method: clinical testing. Allele origin: germline. Observed: 1 variant allele.
Comment: Variant classified as Uncertain Significance - Favor Benign. The p.Thr47Ala vari ant in DFNB31 has not been previously reported in individuals with hearing loss, but was identified in 0.2% (36/18528) of East Asian chromosomes by the Genome A ggregation Database (gnomAD; dbSNP rs556585167 ). Although this variant has been seen in the general population, its frequency is not high enough to rule out a pathogenic role. Computational prediction tools and conservation analysis suggest that the variant may not impact the protein, though this information is not predictive enough to rule out pathogenicity. In s ummary, while the clinical significance of the p.Thr47Ala variant is uncertain, its frequency suggests that it is more likely to be benign.

NM_015404.4(WHRN):c.139A>G (p.Thr47Ala)

Gene: WHRN (whirlin; minus strand). Cytogenetic location: 9q32.
Variant type: single nucleotide variant.
Coding change: c.139A>G on transcript NM_015404.4 (MANE Select); coding-DNA position 139, A replaced by G.
Protein change: p.Thr47Ala; replaces threonine 47 with alanine.
Molecular consequence: missense variant.
Genome position (GRCh38, 1-based): chr9:114,504,663, T>C on the plus strand (A>G on the coding strand, the complement: WHRN is on the minus strand). VCF-style: chr9-114504663-T-C. GRCh37 (hg19) VCF-style: chr9-117266943-T-C.
Other names: c.139A>G, p.Thr47Ala (NM_001173425.2); short protein forms T47A.
Identifiers: ClinVar variation 517373 (VCV000517373.18), dbSNP rs556585167, ClinGen allele CA5206357.